The following is an entry in ClinVar:

NM_001378743.1(CYLD):c.2288_2289del (p.Asp762_Phe763insTer)

Genes: CYLD (CYLD lysine 63 deubiquitinase; plus strand), CYLD-AS2 (CYLD antisense RNA 2; minus strand). Cytogenetic location: 16q12.1.
Variant type: Deletion.
Coding change: c.2288_2289del on transcript NM_001378743.1 (MANE Select); coding-DNA positions 2288 to 2289, 2 bases deleted (TT; older notation c.2288_2289delTT).
Protein change: p.Asp762_Phe763insTer.
Molecular consequence: nonsense. On other transcripts: non-coding transcript variant (1).
Genome position (GRCh38, 1-based): chr16:50,792,643-50,792,644, TT deleted; deleting any 2 consecutive bases within chr16:50,792,642-50,792,644 gives the same sequence; the c. name uses the placement nearest the transcript's 3' end. VCF-style (leftmost placement, unchanged base first): chr16-50792641-CTT-C. GRCh37 (hg19) VCF-style: chr16-50826552-CTT-C.
Other names: c.2279_2280del, p.Asp759_Phe760insTer (NM_001042355.2, NM_001042412.3, NM_001378744.1 and 6 more transcripts); c.2249_2250del, p.Asp749_Phe750insTer (NM_001378751.1, NM_001378752.1, NM_001378753.1); c.1613_1614del, p.Asp537_Phe538insTer (NM_001378754.1, NM_001378755.1); c.2288_2289del, p.Asp762_Phe763insTer (NM_015247.3).
Identifiers: ClinVar variation 3722189 (VCV003722189.2).

ClinVar aggregate classification (germline): Pathogenic (1 of 4 stars; one submission).

Submission:

Labcorp Genetics (formerly Invitae), Labcorp
Classification: Pathogenic. Last evaluated: 2024-05-12. Review status: criteria provided, single submitter. Criteria: Invitae Variant Classification Sherloc (09022015). Collection method: clinical testing. Allele origin: germline.
Comment: This sequence change creates a premature translational stop signal (p.Phe763*) in the CYLD gene. It is expected to result in an absent or disrupted protein product. Loss-of-function variants in CYLD are known to be pathogenic (PMID: 19462465). This variant is not present in population databases (gnomAD no frequency). This premature translational stop signal has been observed in individual(s) with Brooke-Spiegler syndrome (PMID: 23249834, 31093340). For these reasons, this variant has been classified as Pathogenic.

Literature cited by the submitters: PubMed 19462465; PubMed 23249834; PubMed 31093340.